The following is an entry in ClinVar:

NM_000090.4(COL3A1):c.1869+5G>T

Gene: COL3A1 (collagen type III alpha 1 chain; plus strand). Cytogenetic location: 2q32.2.
Variant type: single nucleotide variant.
Coding change: c.1869+5G>T on transcript NM_000090.4 (MANE Select); 5 bases into the intron after coding-DNA position 1869, G replaced by T.
Molecular consequence: intron variant.
Genome position (GRCh38, 1-based): chr2:188,997,394, G>T. VCF-style: chr2-188997394-G-T. GRCh37 (hg19) VCF-style: chr2-189862120-G-T.
Identifiers: ClinVar variation 101485 (VCV000101485.9), dbSNP rs397509376, ClinGen allele CA004663.

ClinVar aggregate classification (germline): Pathogenic. Review status: criteria provided, single submitter (1 of 4 stars). 2 submissions from 2 submitters: Pathogenic (1). 1 of the submissions does not count toward it. Last evaluated 2018-10-16.

Conditions:
Ehlers-Danlos syndrome, type 4 (EDSVASC). Also called: Ehlers-Danlos syndrome vascular type; Ehlers Danlos syndrome, ecchymotic type; Ehlers Danlos syndrome, arterial type; Ehlers Danlos syndrome, Sack-Barabas type; Ehlers-Danlos Syndrome Type IV. Identifiers: Orphanet 286, MedGen C0268338, MONDO:0017314, OMIM 130050.

Submissions (2):

Labcorp Genetics (formerly Invitae), Labcorp
Classification: Pathogenic for Ehlers-Danlos syndrome, type 4. Last evaluated: 2018-10-16. Review status: criteria provided, single submitter. Criteria: Invitae Variant Classification Sherloc (09022015). Collection method: clinical testing. Allele origin: germline.
Comment: This variant is not present in population databases (ExAC no frequency). For these reasons, this variant has been classified as Pathogenic. Nucleotide substitutions within the consensus splice site are a relatively common cause of aberrant splicing (PMID: 17576681, 9536098). Experimental studies have shown that this nucleotide change results in skipping of exon 27 (PMID: 9399899). This variant has been observed in the literature in an individual affected with Ehlers-Danlos syndrome (EDS) (PMID: 9399899), and also has been observed to be de novo in an individual affected with a COL3A1-related condition (Invitae). ClinVar contains an entry for this variant (Variation ID: 101485). This variant is also known as IVS27+5G>T in the literature. This sequence change falls in intron 26 of the COL3A1 gene. It does not directly change the encoded amino acid sequence of the COL3A1 protein, but it affects a nucleotide within the consensus splice site of the intron.

Collagen Diagnostic Laboratory, University of Washington
Classification: Pathogenic for Ehlers-Danlos syndrome, type 4. Review status: no assertion criteria provided. Collection method: clinical testing. Allele origin: germline. Affected: yes. Not counted in ClinVar's aggregate classification.

Literature cited by the submitters: PubMed 17576681 (cited by Labcorp Genetics (formerly Invitae), Labcorp); PubMed 9536098 (cited by Labcorp Genetics (formerly Invitae), Labcorp); PubMed 9399899 (cited by Labcorp Genetics (formerly Invitae), Labcorp and Collagen Diagnostic Laboratory, University of Washington); PubMed 10706896 (cited by Collagen Diagnostic Laboratory, University of Washington); PubMed 9036918 (cited by Collagen Diagnostic Laboratory, University of Washington).